The following is an entry in ClinVar:

ClinVar aggregate classification (germline): Uncertain significance (1 of 4 stars; one submission).

gnomAD v4.1: 1 of 1,177,614 alleles (0.000085%); highest among the groups gnomAD compares: Non-Finnish European, 0.00011%; no homozygotes.

Submission:

CeGaT Center for Human Genetics Tuebingen
Classification: Uncertain significance. Last evaluated: 2022-05-01. Review status: criteria provided, single submitter. Criteria: CeGaT Center For Human Genetics Tuebingen Variant Classification Criteria Version 2. Collection method: clinical testing. Allele origin: germline. Affected: yes. Observed: 1 variant allele.
Comment: STAG2: PM2

NM_001042750.2(STAG2):c.892C>T (p.Arg298Cys)

Gene: STAG2 (STAG2 cohesin complex component; plus strand). Cytogenetic location: Xq25.
Variant type: single nucleotide variant.
Coding change: c.892C>T on transcript NM_001042750.2 (MANE Select); coding-DNA position 892, C replaced by T.
Protein change: p.Arg298Cys; replaces arginine 298 with cysteine.
Molecular consequence: missense variant.
Genome position (GRCh38, 1-based): chrX:124,049,077, C>T. VCF-style: chrX-124049077-C-T. GRCh37 (hg19) VCF-style: chrX-123182927-C-T.
Other names: c.892C>T, p.Arg298Cys (NM_001042749.2, NM_001042751.2, NM_001282418.2 and 13 more transcripts); short protein forms R298C.
Identifiers: ClinVar variation 1695313 (VCV001695313.31), dbSNP rs2148209766, ClinGen allele CA414275814.